The following is an entry in ClinVar:

NM_006031.6(PCNT):c.393_394insT (p.Met132fs)

Gene: PCNT (pericentrin; plus strand). Cytogenetic location: 21q22.3.
Variant type: Insertion.
Coding change: c.393_394insT on transcript NM_006031.6 (MANE Select); coding-DNA positions 393 to 394, T inserted.
Protein change: p.Met132fs; shifts the reading frame from methionine 132.
Molecular consequence: frameshift variant.
Genome position: GRCh38 VCF-style: chr21-46334522-G-GT. GRCh37 (hg19) VCF-style: chr21-47754436-G-GT.
Other names: c.39_40insT, p.Met14fs (NM_001315529.2); short protein forms M132fs, M14fs.
Identifiers: ClinVar variation 4996278 (VCV004996278.1).

ClinVar aggregate classification (germline): Likely pathogenic (1 of 4 stars; one submission).

Conditions:
PCNT-related disorder. Also called: PCNT-related condition.

Submission:

PreventionGenetics, part of Exact Sciences
Classification: Likely pathogenic for PCNT-related condition. Last evaluated: 2025-12-17. Review status: criteria provided, single submitter. Criteria: ACMG Guidelines, 2015. Collection method: clinical testing. Allele origin: germline.
Comment: The PCNT c.393_394insT variant is predicted to result in a frameshift and premature protein termination (p.Met132Tyrfs*6). To our knowledge, this variant has not been reported in the literature or in a large population database (gnomAD), indicating this variant is rare. Frameshift variants in PCNT are expected to be pathogenic. This variant is interpreted as likely pathogenic.